The following is an entry in ClinVar:

ClinVar aggregate classification (germline): Likely benign (1 of 4 stars; one submission).

Allele frequency attached by ClinVar (database versions not stated): gnomAD exomes 0.00112; gnomAD 0.01073 and 0.01142; TOPMed 0.01226; 1000 Genomes Project 0.01478; 1000 Genomes Project 30x 0.01749.
gnomAD v4.1: 2,435 of 856,630 alleles (0.28%); highest among the groups gnomAD compares: African/African-American, 3.7%; 39 homozygotes.

Submission:

GeneDx
Classification: Likely benign. Last evaluated: 2018-06-16. Review status: criteria provided, single submitter. Criteria: GeneDx Variant Classification (06012015). Collection method: clinical testing. Allele origin: germline. Affected: yes.
Comment: This variant is considered likely benign or benign based on one or more of the following criteria: it is a conservative change, it occurs at a poorly conserved position in the protein, it is predicted to be benign by multiple in silico algorithms, and/or has population frequency not consistent with disease.

NM_005045.4(RELN):c.9984-134T>C

Genes: RELN (reelin; minus strand), SLC26A5-AS1 (SLC26A5 antisense RNA 1; plus strand). Cytogenetic location: 7q22.1.
Variant type: single nucleotide variant.
Coding change: c.9984-134T>C on transcript NM_005045.4 (MANE Select); 134 bases into the intron before coding-DNA position 9984, T replaced by C.
Molecular consequence: intron variant.
Genome position (GRCh38, 1-based): chr7:103,483,984, A>G on the plus strand (T>C on the coding strand, the complement: RELN is on the minus strand). VCF-style: chr7-103483984-A-G. GRCh37 (hg19) VCF-style: chr7-103124431-A-G.
Other names: c.9984-134T>C (NM_173054.3).
Identifiers: ClinVar variation 678363 (VCV000678363.1), dbSNP rs10241988, ClinGen allele CA163899345.